The following is an entry in ClinVar:

ClinVar aggregate classification (germline): Uncertain significance. Review status: criteria provided, multiple submitters, no conflicts (2 of 4 stars). 3 submissions from 3 submitters: Uncertain significance (3). Last evaluated 2025-12-22.

Conditions:
Inborn genetic diseases. Identifiers: MedGen C0950123, MeSH D030342.

Allele frequency attached by ClinVar (database versions not stated): gnomAD exomes 0.00001; gnomAD 0.00002; TOPMed 0.00002.
gnomAD v4.1: 26 of 1,577,606 alleles (0.0016%); highest among the groups gnomAD compares: Non-Finnish European, 0.0021%; no homozygotes.

Submissions (3):

Labcorp Genetics (formerly Invitae), Labcorp
Classification: Uncertain significance. Last evaluated: 2025-12-22. Review status: criteria provided, single submitter. Criteria: Invitae Variant Classification Sherloc (09022015). Collection method: clinical testing. Allele origin: germline.
Comment: This sequence change replaces arginine, which is basic and polar, with glycine, which is neutral and non-polar, at codon 385 of the TGFB1 protein (p.Arg385Gly). The frequency data for this variant in the population databases is considered unreliable, as metrics indicate poor data quality at this position in the gnomAD database. This variant has not been reported in the literature in individuals affected with TGFB1-related conditions. ClinVar contains an entry for this variant (Variation ID: 1475445). Invitae Evidence Modeling of protein sequence and biophysical properties (such as structural, functional, and spatial information, amino acid conservation, physicochemical variation, residue mobility, and thermodynamic stability) indicates that this missense variant is not expected to disrupt TGFB1 protein function with a negative predictive value of 80%. In summary, the available evidence is currently insufficient to determine the role of this variant in disease. Therefore, it has been classified as a Variant of Uncertain Significance.

Ambry Genetics
Classification: Uncertain significance for Inborn genetic diseases. Last evaluated: 2025-12-16. Review status: criteria provided, single submitter. Criteria: Ambry Variant Classification Scheme 2023. Collection method: clinical testing. Allele origin: germline.

GeneDx
Classification: Uncertain significance. Last evaluated: 2024-04-26. Review status: criteria provided, single submitter. Criteria: GeneDx Variant Classification Process June 2021. Collection method: clinical testing. Allele origin: germline. Affected: yes.
Comment: Not observed at significant frequency in large population cohorts (gnomAD); In silico analysis supports that this missense variant has a deleterious effect on protein structure/function; Has not been previously published as pathogenic or benign to our knowledge

NM_000660.7(TGFB1):c.1153C>G (p.Arg385Gly)

Gene: TGFB1 (transforming growth factor beta 1; minus strand). Cytogenetic location: 19q13.2.
Variant type: single nucleotide variant.
Coding change: c.1153C>G on transcript NM_000660.7 (MANE Select); coding-DNA position 1153, C replaced by G.
Protein change: p.Arg385Gly; replaces arginine 385 with glycine.
Molecular consequence: missense variant.
Genome position (GRCh38, 1-based): chr19:41,331,072, G>C on the plus strand (C>G on the coding strand, the complement: TGFB1 is on the minus strand). VCF-style: chr19-41331072-G-C. GRCh37 (hg19) VCF-style: chr19-41836977-G-C.
Other names: c.1153C>G (NM_000660.4); short protein forms R385G.
Identifiers: ClinVar variation 1475445 (VCV001475445.8), dbSNP rs981119783, ClinGen allele CA308561742.